The following is an entry in ClinVar:

ClinVar aggregate classification (germline): Uncertain significance. Review status: criteria provided, multiple submitters, no conflicts (2 of 4 stars). 2 submissions from 2 submitters: Uncertain significance (2). Last evaluated 2024-05-12.

Conditions:
Combined immunodeficiency due to DOCK8 deficiency (HIES2). Also called: HIES autosomal recessive; Hyper-IgE recurrent infection syndrome, autosomal recessive; HYPER-IgE RECURRENT INFECTION SYNDROME 2, AUTOSOMAL RECESSIVE; HYPER-IgE SYNDROME 2, AUTOSOMAL RECESSIVE, WITH RECURRENT INFECTIONS; DOCK8 Deficiency. Identifiers: Orphanet 217390, MedGen C4722305, MONDO:0009478, OMIM 243700.

Allele frequency attached by ClinVar (database versions not stated): gnomAD 0.00001 and 0.00003; ESP Exome Variant Server 0.00008.
gnomAD v4.1: 4 of 1,613,890 alleles (0.00025%); highest among the groups gnomAD compares: Non-Finnish European, 0.00017%; no homozygotes.

Submissions (2):

Labcorp Genetics (formerly Invitae), Labcorp
Classification: Uncertain significance for Combined immunodeficiency due to DOCK8 deficiency. Last evaluated: 2024-05-12. Review status: criteria provided, single submitter. Criteria: Invitae Variant Classification Sherloc (09022015). Collection method: clinical testing. Allele origin: germline.
Comment: This sequence change replaces valine, which is neutral and non-polar, with leucine, which is neutral and non-polar, at codon 93 of the DOCK8 protein (p.Val93Leu). This variant is not present in population databases (gnomAD no frequency). This variant has not been reported in the literature in individuals affected with DOCK8-related conditions. ClinVar contains an entry for this variant (Variation ID: 366537). Advanced modeling of protein sequence and biophysical properties (such as structural, functional, and spatial information, amino acid conservation, physicochemical variation, residue mobility, and thermodynamic stability) performed at Invitae indicates that this missense variant is not expected to disrupt DOCK8 protein function with a negative predictive value of 80%. In summary, the available evidence is currently insufficient to determine the role of this variant in disease. Therefore, it has been classified as a Variant of Uncertain Significance.

Illumina Laboratory Services, Illumina
Classification: Uncertain significance for Combined immunodeficiency due to DOCK8 deficiency. Last evaluated: 2018-01-13. Review status: criteria provided, single submitter. Criteria: ICSL Variant Classification Criteria 13 December 2019. Collection method: clinical testing. Allele origin: germline.

NM_203447.4(DOCK8):c.277G>T (p.Val93Leu)

Genes: DOCK8 (dedicator of cytokinesis 8; plus strand), LOC126860552 (BRD4-independent group 4 enhancer GRCh37_chr9:285795-286994; plus strand). Cytogenetic location: 9p24.3.
Variant type: single nucleotide variant.
Coding change: c.277G>T on transcript NM_203447.4 (MANE Select); coding-DNA position 277, G replaced by T.
Protein change: p.Val93Leu; replaces valine 93 with leucine.
Molecular consequence: missense variant.
Genome position (GRCh38, 1-based): chr9:286,581, G>T. VCF-style: chr9-286581-G-T. GRCh37 (hg19) VCF-style: chr9-286581-G-T.
Other names: c.73G>T, p.Val25Leu (NM_001190458.2, NM_001193536.2); short protein forms V93L, V25L.
Identifiers: ClinVar variation 366537 (VCV000366537.13), dbSNP rs375686155, ClinGen allele CA10633780.